The following is an entry in ClinVar:

NM_001283009.2(RTEL1):c.731G>T (p.Gly244Val)

Genes: RTEL1 (regulator of telomere elongation helicase 1; plus strand), RTEL1-TNFRSF6B (RTEL1-TNFRSF6B readthrough (NMD candidate); plus strand). Cytogenetic location: 20q13.33.
Variant type: single nucleotide variant.
Coding change: c.731G>T on transcript NM_001283009.2 (MANE Select); coding-DNA position 731, G replaced by T.
Protein change: p.Gly244Val; replaces glycine 244 with valine.
Molecular consequence: missense variant. On other transcripts: non-coding transcript variant (1).
Genome position (GRCh38, 1-based): chr20:63,672,587, G>T. VCF-style: chr20-63672587-G-T. GRCh37 (hg19) VCF-style: chr20-62303940-G-T.
Other names: c.62G>T, p.Gly21Val (NM_001283010.1); c.731G>T, p.Gly244Val (NM_016434.4); c.803G>T, p.Gly268Val (NM_032957.5); short protein forms G21V, G244V, G268V.
Identifiers: ClinVar variation 4788966 (VCV004788966.1).

ClinVar aggregate classification (germline): Uncertain significance (1 of 4 stars; one submission).

Conditions:
Dyskeratosis congenita, autosomal recessive 5 (DKCB5). Identifiers: MedGen C3554656, MONDO:0014076, OMIM 615190.
Pulmonary fibrosis and/or bone marrow failure, Telomere-related, 3. Also called: PULMONARY FIBROSIS AND/OR BONE MARROW FAILURE SYNDROME, TELOMERE-RELATED, 3. Identifiers: Orphanet 2032, MedGen C4225346, MONDO:0014613, OMIM 616373.

Submission:

Labcorp Genetics (formerly Invitae), Labcorp
Classification: Uncertain significance for Dyskeratosis congenita, autosomal recessive 5; Pulmonary fibrosis and/or bone marrow failure, Telomere-related, 3. Last evaluated: 2025-10-16. Review status: criteria provided, single submitter. Criteria: Invitae Variant Classification Sherloc (09022015). Collection method: clinical testing. Allele origin: germline.
Comment: This sequence change replaces glycine, which is neutral and non-polar, with valine, which is neutral and non-polar, at codon 244 of the RTEL1 protein (p.Gly244Val). This variant is not present in population databases (gnomAD no frequency). This missense change has been observed in individual(s) with chronic hypersensitivity pneumonitis (PMID: 31268371). An algorithm developed to predict the effect of missense changes on protein structure and function (PolyPhen-2) suggests that this variant is likely to be disruptive. In summary, the available evidence is currently insufficient to determine the role of this variant in disease. Therefore, it has been classified as a Variant of Uncertain Significance.

Literature cited by the submitters: PubMed 31268371.